The following is an entry in ClinVar:

NM_003106.4(SOX2):c.757C>G (p.Pro253Ala)

Genes: SOX2 (SRY-box transcription factor 2; plus strand), SOX2-OT (SOX2 overlapping transcript; plus strand). Cytogenetic location: 3q26.33.
Variant type: single nucleotide variant.
Coding change: c.757C>G on transcript NM_003106.4 (MANE Select); coding-DNA position 757, C replaced by G.
Protein change: p.Pro253Ala; replaces proline 253 with alanine.
Molecular consequence: missense variant.
Genome position (GRCh38, 1-based): chr3:181,713,117, C>G. VCF-style: chr3-181713117-C-G. GRCh37 (hg19) VCF-style: chr3-181430905-C-G.
Other names: short protein forms P253A.
Identifiers: ClinVar variation 1302955 (VCV001302955.2), dbSNP rs1034815541, ClinGen allele CA355474588.

ClinVar aggregate classification (germline): Uncertain significance (1 of 4 stars; one submission).

Allele frequency attached by ClinVar (database versions not stated): gnomAD 0.00001.

Submission:

GeneDx
Classification: Uncertain significance. Last evaluated: 2020-07-09. Review status: criteria provided, single submitter. Criteria: GeneDx Variant Classification Process June 2021. Collection method: clinical testing. Allele origin: germline. Affected: yes.
Comment: Not observed in large population cohorts (Lek et al., 2016); In silico analysis supports that this missense variant has a deleterious effect on protein structure/function; Has not been previously published as pathogenic or benign to our knowledge